The following is an entry in ClinVar:

ClinVar aggregate classification (germline): Likely pathogenic (1 of 4 stars; one submission).

Conditions:
Congenital hyperammonemia, type I. Also called: Carbamoyl phosphate synthetase I deficiency disease; CPS I DEFICIENCY; Carbamoyl phosphate synthetase 1 deficiency; Hyperammonemia due to carbamoyl phosphate synthetase 1 deficiency; CPS 1 deficiency; Carbamyl phosphate synthetase (CPS) deficiency. Identifiers: Orphanet 147, MedGen C4082171, MONDO:0009376, OMIM 237300.

gnomAD v4.1: 1 of 1,612,628 alleles (0.000062%); highest among the groups gnomAD compares: Non-Finnish European, 0.000085%; no homozygotes.

Submission:

Natera, Inc.
Classification: Likely pathogenic for Carbamoyl-phosphate synthase I deficiency. Last evaluated: 2026-01-17. Review status: criteria provided, single submitter. Criteria: Natera Variant Classification Schema (03/2026). Collection method: clinical testing. Allele origin: germline.
Comment: The c.1449C>A variant in CPS1 is a nonsense variant predicted to introduce a stop codon at amino acid 483. This variant is expected to result in nonsense mediated decay, truncation, or a dysfunctional protein product. This variant is rare in the general population with a frequency below the threshold expected for the associated phenotype(s). Given the available evidence, this variant is classified as Likely Pathogenic.

NM_001875.5(CPS1):c.1449C>A (p.Tyr483Ter)

Gene: CPS1 (carbamoyl-phosphate synthase 1; plus strand). Cytogenetic location: 2q34.
Variant type: single nucleotide variant.
Coding change: c.1449C>A on transcript NM_001875.5 (MANE Select); coding-DNA position 1449, C replaced by A.
Protein change: p.Tyr483Ter; replaces tyrosine 483 with a stop codon.
Molecular consequence: nonsense. On other transcripts: non-coding transcript variant (2).
Genome position (GRCh38, 1-based): chr2:210,599,461, C>A. VCF-style: chr2-210599461-C-A. GRCh37 (hg19) VCF-style: chr2-211464185-C-A.
Other names: c.1449C>A, p.Tyr483Ter (NM_001122633.3, NM_001369257.1); c.1482C>A, p.Tyr494Ter (NM_001369256.1); short protein forms Y483*, Y494*.
Identifiers: ClinVar variation 4814943 (VCV004814943.1).